The following is an entry in ClinVar:

NM_001190274.2(FBXO11):c.1297T>G (p.Leu433Val)

Gene: FBXO11 (F-box protein 11; minus strand). Cytogenetic location: 2p16.3.
Variant type: single nucleotide variant.
Coding change: c.1297T>G on transcript NM_001190274.2 (MANE Select); coding-DNA position 1297, T replaced by G.
Protein change: p.Leu433Val; replaces leucine 433 with valine.
Molecular consequence: missense variant.
Genome position (GRCh38, 1-based): chr2:47,832,450, A>C on the plus strand (T>G on the coding strand, the complement: FBXO11 is on the minus strand). VCF-style: chr2-47832450-A-C. GRCh37 (hg19) VCF-style: chr2-48059589-A-C.
Other names: c.1045T>G, p.Leu349Val (NM_001374325.1, NM_025133.4); short protein forms L349V, L433V.
Identifiers: ClinVar variation 2635226 (VCV002635226.1), dbSNP rs772573176, ClinGen allele CA346765392.
Genomic context (GRCh38, chr2:47,832,450, plus strand): 5'-GATGAATATGATTCCGTCTAATAATTGGGTTTCCATGATTTTTAACCCAAATCCCAGCTA[A>C]CGCATTATTGGAAATTTCATTATCCTCATATATTCCCTACAACAAGTTATCAGAAACAAA-3'
Protein context (NP_001177203.1, residues 423-443): YEDNEISNNA[Leu433Val]AGIWVKNHGN

ClinVar aggregate classification (germline): Likely pathogenic (1 of 4 stars; one submission).

Conditions:
FBXO11-related disorder. Also called: FBXO11-related condition.

Submission:

PreventionGenetics, part of Exact Sciences
Classification: Likely pathogenic for FBXO11-related condition. Last evaluated: 2022-11-12. Review status: criteria provided, single submitter. Criteria: ACMG Guidelines, 2015. Collection method: clinical testing. Allele origin: germline.
Comment: The FBXO11 c.1297T>G variant is predicted to result in the amino acid substitution p.Leu433Val. To our knowledge, this variant has not been reported in the literature or in a large population database, indicating this variant is rare. This variant is interpreted as likely pathogenic.